The following is an entry in ClinVar:

NM_052947.4(ALPK2):c.2623A>C (p.Thr875Pro)

Gene: ALPK2 (alpha kinase 2; minus strand). Cytogenetic location: 18q21.31.
Variant type: single nucleotide variant.
Coding change: c.2623A>C on transcript NM_052947.4 (MANE Select); coding-DNA position 2623, A replaced by C.
Protein change: p.Thr875Pro; replaces threonine 875 with proline.
Molecular consequence: missense variant.
Genome position (GRCh38, 1-based): chr18:58,537,564, T>G on the plus strand (A>C on the coding strand, the complement: ALPK2 is on the minus strand). VCF-style: chr18-58537564-T-G. GRCh37 (hg19) VCF-style: chr18-56204796-T-G.
Other names: short protein forms T875P.
Identifiers: ClinVar variation 3055628 (VCV003055628.2), dbSNP rs34109891, ClinGen allele CA8977045.

ClinVar aggregate classification (germline): Benign (0 of 4 stars; one submission).

Conditions:
ALPK2-related disorder. Also called: ALPK2-related condition.

Allele frequency attached by ClinVar (database versions not stated): 1000 Genomes Project 0.00879; 1000 Genomes Project 30x 0.00906; ESP Exome Variant Server 0.01192; ExAC 0.01388; gnomAD 0.01463; TOPMed 0.01552; gnomAD exomes 0.01836.
gnomAD v4.1: 29,164 of 1,613,994 alleles (1.8%); highest among the groups gnomAD compares: Middle Eastern, 2.5%; 322 homozygotes.

Submission:

PreventionGenetics, part of Exact Sciences
Classification: Benign for ALPK2-related condition. Last evaluated: 2019-07-10. Review status: no assertion criteria provided. Collection method: clinical testing. Allele origin: germline.
Comment: This variant is classified as benign based on ACMG/AMP sequence variant interpretation guidelines (Richards et al. 2015 PMID: 25741868, with internal and published modifications).